The following is an entry in ClinVar:

NM_000245.4(MET):c.3160G>T (p.Asp1054Tyr)

Gene: MET (MET proto-oncogene, receptor tyrosine kinase; plus strand). Cytogenetic location: 7q31.2.
Variant type: single nucleotide variant.
Coding change: c.3160G>T on transcript NM_000245.4 (MANE Select); coding-DNA position 3160, G replaced by T.
Protein change: p.Asp1054Tyr; replaces aspartic acid 1054 with tyrosine.
Molecular consequence: missense variant.
Genome position (GRCh38, 1-based): chr7:116,775,012, G>T. VCF-style: chr7-116775012-G-T. GRCh37 (hg19) VCF-style: chr7-116415066-G-T.
Other names: c.3214G>T, p.Asp1072Tyr (NM_001127500.3); c.1870G>T, p.Asp624Tyr (NM_001324402.2); short protein forms D1054Y, D1072Y, D624Y.
Identifiers: ClinVar variation 2037546 (VCV002037546.6), dbSNP rs2117031109, ClinGen allele CA368988407.

ClinVar aggregate classification (germline): Uncertain significance. Review status: criteria provided, multiple submitters, no conflicts (2 of 4 stars). 2 submissions from 2 submitters: Uncertain significance (2). Last evaluated 2023-01-13.

Conditions:
Renal cell carcinoma. Identifiers: Orphanet 217071, MedGen C0007134, MeSH D002292, MONDO:0005086, HP:0005584.
Hereditary cancer-predisposing syndrome. Also called: Neoplastic Syndromes, Hereditary; Hereditary Cancer Syndrome; Tumor predisposition; Hereditary neoplastic syndrome. Identifiers: Orphanet 140162, MedGen C0027672, MeSH D009386, MONDO:0015356.

Allele frequency attached by ClinVar (database versions not stated): gnomAD exomes below 0.00001.
gnomAD v4.1: 2 of 1,614,140 alleles (0.00012%); highest among the groups gnomAD compares: Non-Finnish European, 0.00017%; no homozygotes.

Submissions (2):

Ambry Genetics
Classification: Uncertain significance for Hereditary cancer-predisposing syndrome. Last evaluated: 2023-01-13. Review status: criteria provided, single submitter. Criteria: Ambry Variant Classification Scheme 2023. Collection method: clinical testing. Allele origin: germline.
Comment: The p.D1072Y variant (also known as c.3214G>T), located in coding exon 14 of the MET gene, results from a G to T substitution at nucleotide position 3214. The aspartic acid at codon 1072 is replaced by tyrosine, an amino acid with highly dissimilar properties. This amino acid position is conserved. In addition, this alteration is predicted to be deleterious by in silico analysis. Since supporting evidence is limited at this time, the clinical significance of this alteration remains unclear.

Labcorp Genetics (formerly Invitae), Labcorp
Classification: Uncertain significance for Renal cell carcinoma. Last evaluated: 2022-07-06. Review status: criteria provided, single submitter. Criteria: Invitae Variant Classification Sherloc (09022015). Collection method: clinical testing. Allele origin: germline.
Comment: This variant has not been reported in the literature in individuals affected with MET-related conditions. This variant is not present in population databases (gnomAD no frequency). This sequence change replaces aspartic acid, which is acidic and polar, with tyrosine, which is neutral and polar, at codon 1072 of the MET protein (p.Asp1072Tyr). Algorithms developed to predict the effect of missense changes on protein structure and function are either unavailable or do not agree on the potential impact of this missense change (SIFT: "Deleterious"; PolyPhen-2: "Probably Damaging"; Align-GVGD: "Class C15"). In summary, the available evidence is currently insufficient to determine the role of this variant in disease. Therefore, it has been classified as a Variant of Uncertain Significance.